The following is an entry in ClinVar:

NM_001165963.4(SCN1A):c.3678C>A (p.Phe1226Leu)

Genes: SCN1A (sodium voltage-gated channel alpha subunit 1; minus strand), LOC102724058 (uncharacterized LOC102724058; plus strand). Cytogenetic location: 2q24.3.
Variant type: single nucleotide variant.
Coding change: c.3678C>A on transcript NM_001165963.4 (MANE Select); coding-DNA position 3678, C replaced by A.
Protein change: p.Phe1226Leu; replaces phenylalanine 1226 with leucine.
Molecular consequence: missense variant. On other transcripts: non-coding transcript variant (1).
Genome position (GRCh38, 1-based): chr2:166,013,771, G>T on the plus strand (C>A on the coding strand, the complement: SCN1A is on the minus strand). VCF-style: chr2-166013771-G-T. GRCh37 (hg19) VCF-style: chr2-166870281-G-T.
Other names: c.3594C>A, p.Phe1198Leu (NM_001165964.3, NM_001353957.2, NM_001353958.2); c.3678C>A, p.Phe1226Leu (NM_001202435.3, NM_001353948.2); c.1236C>A, p.Phe412Leu (NM_001353961.2); c.3645C>A, p.Phe1215Leu (NM_006920.6, NM_001353949.2, NM_001353950.2 and 2 more transcripts); c.3642C>A, p.Phe1214Leu (NM_001353954.2, NM_001353955.2); c.3591C>A, p.Phe1197Leu (NM_001353960.2); short protein forms F1197L, F1198L, F1214L, F1215L, F1226L, F412L.
Identifiers: ClinVar variation 3389546 (VCV003389546.14).
Genomic context (GRCh38, chr2:166,013,771, plus strand): 5'-AGTGCTGTATCACCTTTTCTTAATCTCACTCACCAGAGCACCACTACTAAGGAGAATCAT[G>T]AAAACAATGAAGGTCTCAAACCAGTTATGTTCAACTATTCGGAAACACGTCCTTCTCAGG-3'
Protein context (NP_001159435.1, residues 1216-1236): EHNWFETFIV[Phe1226Leu]MILLSSGALA

ClinVar aggregate classification (germline): Uncertain significance (1 of 4 stars; one submission).

Submission:

CeGaT Center for Human Genetics Tuebingen
Classification: Uncertain significance. Last evaluated: 2024-09-01. Review status: criteria provided, single submitter. Criteria: CeGaT Center For Human Genetics Tuebingen Variant Classification Criteria Version 2. Collection method: clinical testing. Allele origin: germline. Affected: yes. Observed: 1 variant allele.
Comment: SCN1A: PM1, PM2, PP3